The following is an entry in ClinVar:

NM_004999.4(MYO6):c.3637C>T (p.Pro1213Ser)

Gene: MYO6 (myosin VI; plus strand). Cytogenetic location: 6q14.1.
Variant type: single nucleotide variant.
Coding change: c.3637C>T on transcript NM_004999.4 (MANE Select); coding-DNA position 3637, C replaced by T.
Protein change: p.Pro1213Ser; replaces proline 1213 with serine.
Molecular consequence: missense variant. On other transcripts: non-coding transcript variant (1).
Genome position (GRCh38, 1-based): chr6:75,914,260, C>T. VCF-style: chr6-75914260-C-T. GRCh37 (hg19) VCF-style: chr6-76623977-C-T.
Other names: c.3568C>T, p.Pro1190Ser (NM_001300899.2); c.3541C>T, p.Pro1181Ser (NM_001368136.1); c.3598C>T, p.Pro1200Ser (NM_001368137.1); c.3553C>T, p.Pro1185Ser (NM_001368138.1); c.3664C>T, p.Pro1222Ser (NM_001368865.1); c.3637C>T, p.Pro1213Ser (NM_001368866.1); short protein forms P1181S, P1200S, P1213S, P1222S, P1185S, P1190S.
Identifiers: ClinVar variation 800768 (VCV000800768.8), dbSNP rs749985011, ClinGen allele CA3897772.
Genomic context (GRCh38, chr6:75,914,260, plus strand): 5'-TGGTATGCCCATTTTGATGGACCATGGATTGCCCGGCAAATGGAACTCCATCCTGACAAG[C>T]CACCCATCCTACTTGTGGCTGGTGTGTATGATTCACATGGAAAACAAATTATAGAACAAA-3'
Protein context (NP_004990.3, residues 1203-1223): ARQMELHPDK[Pro1213Ser]PILLVAGKDD

ClinVar aggregate classification (germline): Uncertain significance. Review status: criteria provided, multiple submitters, no conflicts (2 of 4 stars). 6 submissions from 6 submitters: Uncertain significance (3). 3 of the submissions do not count toward it. Last evaluated 2026-02-13.

Conditions:
Inborn genetic diseases. Identifiers: MedGen C0950123, MeSH D030342.
MYO6-related disorder. Also called: MYO6-related disorders; MYO6-related condition.
Autosomal dominant nonsyndromic hearing loss 22. Also called: DFNA 22; Autosomal dominant nonsyndromic deafness 22. Identifiers: Orphanet 228012, MedGen C2931767, MONDO:0011660, OMIM 606346.

Allele frequency attached by ClinVar (database versions not stated): ExAC 0.00002; TOPMed 0.00002; gnomAD exomes 0.00003 and 0.00004; gnomAD 0.00005 and 0.00006.
gnomAD v4.1: 51 of 1,614,034 alleles (0.0032%); highest among the groups gnomAD compares: Admixed American, 0.0083%; no homozygotes.

Submissions (6):

PreventionGenetics, part of Exact Sciences
Classification: Uncertain significance for MYO6-related condition. Last evaluated: 2026-02-13. Review status: criteria provided, single submitter. Criteria: ACMG Guidelines, 2015. Collection method: clinical testing. Allele origin: germline.
Comment: The MYO6 c.3637C>T variant is predicted to result in the amino acid substitution p.Pro1213Ser. To our knowledge, this variant has not been reported in the literature. This variant is reported in 0.011% of alleles in individuals of Latino descent in gnomAD. At this time, the clinical significance of this variant is uncertain due to the absence of conclusive functional and genetic evidence.

Ambry Genetics
Classification: Uncertain significance for Inborn genetic diseases. Last evaluated: 2025-08-12. Review status: criteria provided, single submitter. Criteria: Ambry Variant Classification Scheme 2023. Collection method: clinical testing. Allele origin: germline.

GeneDx
Classification: Uncertain significance. Last evaluated: 2025-01-03. Review status: criteria provided, single submitter. Criteria: GeneDx Variant Classification Process June 2021. Collection method: clinical testing. Allele origin: germline. Affected: yes.
Comment: In silico analysis indicates that this missense variant does not alter protein structure/function; Has not been previously published as pathogenic or benign to our knowledge

Biochemical Molecular Genetic Laboratory, King Abdulaziz Medical City
Classification: Uncertain significance for Autosomal dominant nonsyndromic hearing loss 22. Last evaluated: 2019-01-29. Review status: no assertion criteria provided. Collection method: clinical testing. Allele origin: germline. Affected: yes. Not counted in ClinVar's aggregate classification.

Clinical Genetics DNA and cytogenetics Diagnostics Lab, Erasmus MC, Erasmus Medical Center
Classification: Likely benign. Review status: no assertion criteria provided. Collection method: clinical testing. Allele origin: germline. Affected: yes. Study: VKGL Data-share Consensus. Not counted in ClinVar's aggregate classification.

Joint Genome Diagnostic Labs from Nijmegen and Maastricht, Radboudumc and MUMC+
Classification: Likely benign. Review status: no assertion criteria provided. Collection method: clinical testing. Allele origin: germline. Affected: yes. Study: VKGL Data-share Consensus. Not counted in ClinVar's aggregate classification.